The following continues an entry in ClinVar:

NM_024675.4(PALB2):c.925A>G (p.Ile309Val)

Gene: PALB2. ClinVar aggregate classification (germline): Benign/Likely benign. Benign (12); Likely benign (4).

Submissions 21 to 29 of 29:

Department of Pathology and Laboratory Medicine, Sinai Health System
Classification: Benign for Malignant tumor of breast. Review status: no assertion criteria provided. Collection method: clinical testing. Allele origin: unknown. Affected: yes. Study: The Canadian Open Genetics Repository (COGR). Not counted in ClinVar's aggregate classification.
Comment: The PALB2 p.Ile309Val variant was identified in 41 of 4986 proband chromosomes (frequency: 0.008) from individuals or families with breast Cancer of African-American, Chinese, Malaysian and Singaporean descent and was present in 50 of 4390 control chromosomes (frequency: 0.011) from healthy individuals (Ding 2011, Li 2015, Phuah 2013, Wong-Brown 2014, Zheng 2012, Sluiter 2009). The variant was also identified in dbSNP (ID: rs3809683) as â€šÃ„ÃºOtherâ€šÃ„Ã¹, ClinVar (benign by GeneDx, Ambry Genetics, Invitae), PALB2 Database (likely benign by Cancer Genetics Laboratory and Illumina Clinical Services Laboratory), LOVD 3.0 (8x with no classification) Zhejiang Colon Cancer Database (1x as unknown). The variant was not identified in Cosmic, MutDB, databases. The variant was further identified in the 1000 Genomes Project in 58 of 5000 chromosomes (freq. 0.01) and the NHLBI GO Exome Sequencing Project in 126 of 4394 African American alleles (freq. 0.03). The variant was identified in control databases in 932 of 277056 chromosomes at a frequency of 0.003 increasing the likelihood this could be a low frequency benign variant (Genome Aggregation Consortium Feb 27, 2017). Notably the variant was identified in the African population in 690 of 24026 chromosomes (freq. 0.02) including 10 homozygous individuals. The p.Ile309 residue is not conserved in mammals and the variant amino acid (Val) is present in Macaca mulatta, Rattus norvegicus, and Mus musculus increasing the likelihood that this variant does not have clinical significance. In addition, computational analyses (PolyPhen-2, SIFT, AlignGVGD, BLOSUM, MutationTaster) do not suggest a high likelihood of impact to the protein; however, this information is not predictive enough to rule out pathogenicity. The variant occurs outside of the splicing consensus sequence and in silico or computational prediction software programs (SpliceSiteFinder, MaxEntScan, NNSPLICE, GeneSplicer, HumanSpliceFinder) do not predict a difference in splicing. In summary, based on the above information, this variant is classified as benign.

Dr. Peter K. Rogan Lab, Western University
No classification provided (evidence only). Condition: Lung cancer. Review status: no classification provided. Collection method: in vitro. Allele origin: not applicable. Functional consequence: retained intron. Not counted in ClinVar's aggregate classification.

Dr. Peter K. Rogan Lab, Western University
No classification provided (evidence only). Condition: Uterine corpus endometrial carcinoma. Review status: no classification provided. Collection method: in vitro. Allele origin: not applicable. Functional consequence: retained intron. Not counted in ClinVar's aggregate classification.

Dr. Peter K. Rogan Lab, Western University
No classification provided (evidence only). Condition: Thymoma. Review status: no classification provided. Collection method: in vitro. Allele origin: not applicable. Functional consequence: retained intron. Not counted in ClinVar's aggregate classification.

Dr. Peter K. Rogan Lab, Western University
No classification provided (evidence only). Condition: Ovarian serous cystadenocarcinoma. Review status: no classification provided. Collection method: in vitro. Allele origin: not applicable. Functional consequence: retained intron. Not counted in ClinVar's aggregate classification.

Dr. Peter K. Rogan Lab, Western University
No classification provided (evidence only). Condition: Gastric cancer. Review status: no classification provided. Collection method: in vitro. Allele origin: not applicable. Functional consequence: retained intron. Not counted in ClinVar's aggregate classification.

Genome Diagnostics Laboratory, Amsterdam University Medical Center
Classification: Benign. Review status: no assertion criteria provided. Collection method: clinical testing. Allele origin: germline. Affected: yes. Study: VKGL Data-share Consensus. Not counted in ClinVar's aggregate classification.

Joint Genome Diagnostic Labs from Nijmegen and Maastricht, Radboudumc and MUMC+
Classification: Benign. Review status: no assertion criteria provided. Collection method: clinical testing. Allele origin: germline. Affected: yes. Study: VKGL Data-share Consensus. Not counted in ClinVar's aggregate classification.

Laboratory of Diagnostic Genome Analysis, Leiden University Medical Center (LUMC)
Classification: Benign. Review status: no assertion criteria provided. Collection method: clinical testing. Allele origin: germline. Affected: yes. Study: VKGL Data-share Consensus. Not counted in ClinVar's aggregate classification.

Literature cited by the submitters: PubMed 17200668 (cited by Leiden Open Variation Database); PubMed 18288683 (cited by Leiden Open Variation Database); PubMed 19333784 (cited by Leiden Open Variation Database); PubMed 21113654 (cited by Leiden Open Variation Database); PubMed 21932393 (cited by Leiden Open Variation Database); PubMed 23824750 (cited by Leiden Open Variation Database); PubMed 23977390 (cited by Leiden Open Variation Database); PubMed 30287823 (cited by Leiden Open Variation Database); PubMed 24728327 (cited by ITMI).